The following is an entry in ClinVar:

NM_003482.4(KMT2D):c.8478_8488del (p.Thr2827fs)

Gene: KMT2D (lysine methyltransferase 2D; minus strand). Cytogenetic location: 12q13.12.
Variant type: Deletion.
Coding change: c.8478_8488del on transcript NM_003482.4 (MANE Select); coding-DNA positions 8478 to 8488, 11 bases deleted (AACCTCCATGC).
Protein change: p.Thr2827fs; shifts the reading frame from threonine 2827.
Molecular consequence: frameshift variant.
Genome position (GRCh38, 1-based): chr12:49,038,868-49,038,878, GCATGGAGGTT deleted on the plus strand (AACCTCCATGC on the coding strand, the reverse complement: KMT2D is on the minus strand); deleting any 11 consecutive bases within chr12:49,038,868-49,038,880 gives the same sequence; the c. name uses the placement nearest the transcript's 3' end. VCF-style (leftmost placement, unchanged base first): chr12-49038867-CGCATGGAGGTT-C. GRCh37 (hg19) VCF-style: chr12-49432650-CGCATGGAGGTT-C.
Other names: c.8478_8488delAACCTCCATGC (NM_003482.3); short protein forms T2827fs.
Identifiers: ClinVar variation 577069 (VCV000577069.6), dbSNP rs1565789522, ClinGen allele CA891843483.
Genomic context (GRCh38, chr12:49,038,867, plus strand): 5'-AGGGCTTGGCGGCCAAGTTCAGGTCCAGGAGTTGATGGAAAGCGAGCTGACATGGCAAAT[CGCATGGAGGTT>C]GCTGCTGTTGCCTGTTGTTGCTGCCACAGTTGTTGCTGTTGCTGCTGTAAGGGCAGGGAC-3'

ClinVar aggregate classification (germline): Pathogenic (1 of 4 stars; one submission).

Conditions:
Kabuki syndrome. Also called: Kabuki make-up syndrome; NIIKAWA-KUROKI SYNDROME. Identifiers: Orphanet 2322, MedGen C0796004, MONDO:0016512.

Submission:

Labcorp Genetics (formerly Invitae), Labcorp
Classification: Pathogenic for Kabuki syndrome. Last evaluated: 2018-04-26. Review status: criteria provided, single submitter. Criteria: Invitae Variant Classification Sherloc (09022015). Collection method: clinical testing. Allele origin: germline.
Comment: For these reasons, this variant has been classified as Pathogenic. Loss-of-function variants in KMT2D are known to be pathogenic (PMID: 22126750). This variant has not been reported in the literature in individuals with KMT2D-related disease. This variant is not present in population databases (ExAC no frequency). This sequence change creates a premature translational stop signal (p.Thr2827Ilefs*14) in the KMT2D gene. It is expected to result in an absent or disrupted protein product.

Literature cited by the submitters: PubMed 22126750.